The following is an entry in ClinVar:

ClinVar aggregate classification (germline): Likely pathogenic (1 of 4 stars; one submission).

Conditions:
X-linked Alport syndrome (ATS1). Also called: COL4A5-Related Nephropathy; NEPHROPATHY AND DEAFNESS, X-LINKED. Identifiers: Orphanet 63, Orphanet 88917, MedGen C4746986, MONDO:0010520, OMIM 301050.

Submission:

Institute of Human Genetics, Heidelberg University
Classification: Likely pathogenic for X-linked Alport syndrome. Last evaluated: 2025-04-10. Review status: criteria provided, single submitter. Criteria: ACMG Guidelines, 2015. Collection method: clinical testing. Allele origin: unknown. Affected: yes. Observed: 1 variant allele.
Comment: PM2_supp, PP3_s, PM5

NM_033380.3(COL4A5):c.4444T>G (p.Cys1482Gly)

Gene: COL4A5 (collagen type IV alpha 5 chain; plus strand). Cytogenetic location: Xq22.3.
Variant type: single nucleotide variant.
Coding change: c.4444T>G on transcript NM_033380.3 (MANE Select); coding-DNA position 4444, T replaced by G.
Protein change: p.Cys1482Gly; replaces cysteine 1482 with glycine.
Molecular consequence: missense variant.
Genome position (GRCh38, 1-based): chrX:108,687,610, T>G. VCF-style: chrX-108687610-T-G. GRCh37 (hg19) VCF-style: chrX-107930840-T-G.
Other names: c.4426T>G, p.Cys1476Gly (NM_000495.5); short protein forms C1476G, C1482G.
Identifiers: ClinVar variation 4277232 (VCV004277232.1).
Genomic context (GRCh38, chrX:108,687,610, plus strand): 5'-TCCTCTGTTGCACATGGATTTCTTATTACACGCCACAGCCAGACAACGGATGCACCACAA[T>G]GCCCACAGGGAACACTTCAGGTCTATGAAGGCTTTTCTCTCCTGTATGTACAAGGAAATA-3'
Protein context (NP_203699.1, residues 1472-1492): RHSQTTDAPQ[Cys1482Gly]PQGTLQVYEG